The following is an entry in ClinVar:

ClinVar aggregate classification (germline): Uncertain significance (1 of 4 stars; one submission).

Submission:

GeneDx
Classification: Uncertain significance. Last evaluated: 2022-06-19. Review status: criteria provided, single submitter. Criteria: GeneDx Variant Classification Process June 2021. Collection method: clinical testing. Allele origin: germline. Affected: yes.
Comment: Not observed at significant frequency in large population cohorts (gnomAD); In silico analysis supports that this missense variant does not alter protein structure/function; Has not been previously published as pathogenic or benign to our knowledge

NM_003107.3(SOX4):c.1078G>C (p.Gly360Arg)

Gene: SOX4 (SRY-box transcription factor 4; plus strand). Cytogenetic location: 6p22.3.
Variant type: single nucleotide variant.
Coding change: c.1078G>C on transcript NM_003107.3 (MANE Select); coding-DNA position 1078, G replaced by C.
Protein change: p.Gly360Arg; replaces glycine 360 with arginine.
Molecular consequence: missense variant.
Genome position (GRCh38, 1-based): chr6:21,595,612, G>C. VCF-style: chr6-21595612-G-C. GRCh37 (hg19) VCF-style: chr6-21595843-G-C.
Other names: short protein forms G360R.
Identifiers: ClinVar variation 1804564 (VCV001804564.1), dbSNP rs1763126459, ClinGen allele CA363271910.